The following is an entry in ClinVar:

NM_001040108.2(MLH3):c.3238A>G (p.Lys1080Glu)

Gene: MLH3 (mutL homolog 3; minus strand). Cytogenetic location: 14q24.3.
Variant type: single nucleotide variant.
Coding change: c.3238A>G on transcript NM_001040108.2 (MANE Select); coding-DNA position 3238, A replaced by G.
Protein change: p.Lys1080Glu; replaces lysine 1080 with glutamic acid.
Molecular consequence: missense variant.
Genome position (GRCh38, 1-based): chr14:75,046,418, T>C on the plus strand (A>G on the coding strand, the complement: MLH3 is on the minus strand). VCF-style: chr14-75046418-T-C. GRCh37 (hg19) VCF-style: chr14-75513121-T-C.
Other names: c.3238A>G, p.Lys1080Glu (NM_014381.3); short protein forms K1080E.
Identifiers: ClinVar variation 1729255 (VCV001729255.8), dbSNP rs747582919, ClinGen allele CA7275569.

ClinVar aggregate classification (germline): Uncertain significance. Review status: criteria provided, multiple submitters, no conflicts (2 of 4 stars). 2 submissions from 2 submitters: Uncertain significance (2). Last evaluated 2024-05-14.

Conditions:
Colorectal cancer, hereditary nonpolyposis, type 7. Identifiers: Orphanet 144, MedGen C1858380, MONDO:0013725, OMIM 614385.

Allele frequency attached by ClinVar (database versions not stated): gnomAD exomes below 0.00001; ExAC 0.00001.
gnomAD v4.1: 1 of 1,614,184 alleles (0.000062%); highest among the groups gnomAD compares: South Asian, 0.0011%; no homozygotes.

Submissions (2):

Ambry Genetics
Classification: Uncertain significance. Last evaluated: 2024-05-14. Review status: criteria provided, single submitter. Criteria: Ambry Variant Classification Scheme 2023. Collection method: clinical testing. Allele origin: germline.
Comment: The p.K1080E variant (also known as c.3238A>G), located in coding exon 1 of the MLH3 gene, results from an A to G substitution at nucleotide position 3238. The lysine at codon 1080 is replaced by glutamic acid, an amino acid with similar properties. This amino acid position is conserved. In addition, this alteration is predicted to be tolerated by in silico analysis. Since supporting evidence is limited at this time, the clinical significance of this alteration remains unclear.

Labcorp Genetics (formerly Invitae), Labcorp
Classification: Uncertain significance for Colorectal cancer, hereditary nonpolyposis, type 7. Last evaluated: 2022-08-10. Review status: criteria provided, single submitter. Criteria: Invitae Variant Classification Sherloc (09022015). Collection method: clinical testing. Allele origin: germline.
Comment: In summary, the available evidence is currently insufficient to determine the role of this variant in disease. Therefore, it has been classified as a Variant of Uncertain Significance. Algorithms developed to predict the effect of missense changes on protein structure and function (SIFT, PolyPhen-2, Align-GVGD) all suggest that this variant is likely to be tolerated. This variant has not been reported in the literature in individuals affected with MLH3-related conditions. This variant is present in population databases (rs747582919, gnomAD 0.003%). This sequence change replaces lysine, which is basic and polar, with glutamic acid, which is acidic and polar, at codon 1080 of the MLH3 protein (p.Lys1080Glu).